The following is an entry in ClinVar:

NM_032776.3(JMJD1C):c.4873G>A (p.Gly1625Ser)

Gene: JMJD1C (jumonji domain containing 1C; minus strand). Cytogenetic location: 10q21.3.
Variant type: single nucleotide variant.
Coding change: c.4873G>A on transcript NM_032776.3 (MANE Select); coding-DNA position 4873, G replaced by A.
Protein change: p.Gly1625Ser; replaces glycine 1625 with serine.
Molecular consequence: missense variant. On other transcripts: non-coding transcript variant (1).
Genome position (GRCh38, 1-based): chr10:63,206,796, C>T on the plus strand (G>A on the coding strand, the complement: JMJD1C is on the minus strand). VCF-style: chr10-63206796-C-T. GRCh37 (hg19) VCF-style: chr10-64966556-C-T.
Other names: c.4327G>A, p.Gly1443Ser (NM_001282948.2, NM_001318154.2); c.4009G>A, p.Gly1337Ser (NM_001318153.2); c.4759G>A, p.Gly1587Ser (NM_001322252.2); c.4216G>A, p.Gly1406Ser (NM_001322254.2, NM_001322258.2); short protein forms G1337S, G1443S, G1587S, G1625S, G1406S.
Identifiers: ClinVar variation 2086610 (VCV002086610.4), dbSNP rs2492663950, ClinGen allele CA377036109.

ClinVar aggregate classification (germline): Uncertain significance (1 of 4 stars; one submission).

Conditions:
Early Myoclonic Encephalopathy. Identifiers: MedGen C0270855.

Submission:

Labcorp Genetics (formerly Invitae), Labcorp
Classification: Uncertain significance for Early Myoclonic Encephalopathy. Last evaluated: 2024-02-17. Review status: criteria provided, single submitter. Criteria: Invitae Variant Classification Sherloc (09022015). Collection method: clinical testing. Allele origin: germline.
Comment: This sequence change replaces glycine, which is neutral and non-polar, with serine, which is neutral and polar, at codon 1625 of the JMJD1C protein (p.Gly1625Ser). This variant is not present in population databases (gnomAD no frequency). This variant has not been reported in the literature in individuals affected with JMJD1C-related conditions. ClinVar contains an entry for this variant (Variation ID: 2086610). Advanced modeling of protein sequence and biophysical properties (such as structural, functional, and spatial information, amino acid conservation, physicochemical variation, residue mobility, and thermodynamic stability) performed at Invitae indicates that this missense variant is not expected to disrupt JMJD1C protein function with a negative predictive value of 80%. In summary, the available evidence is currently insufficient to determine the role of this variant in disease. Therefore, it has been classified as a Variant of Uncertain Significance.